The following is an entry in ClinVar:

ClinVar aggregate classification (germline): Uncertain significance (1 of 4 stars; one submission).

Conditions:
Duchenne muscular dystrophy (DMD). Also called: MUSCULAR DYSTROPHY, PSEUDOHYPERTROPHIC PROGRESSIVE, DUCHENNE TYPE; Duchenne Muscular Dystrophy (DMD). Identifiers: Orphanet 98896, MedGen C0013264, MONDO:0010679, OMIM 310200.

Submission:

Labcorp Genetics (formerly Invitae), Labcorp
Classification: Uncertain significance for Duchenne muscular dystrophy. Last evaluated: 2021-08-27. Review status: criteria provided, single submitter. Criteria: Invitae Variant Classification Sherloc (09022015). Collection method: clinical testing. Allele origin: germline.
Comment: This sequence change replaces phenylalanine with serine at codon 747 of the DMD protein (p.Phe747Ser). The phenylalanine residue is highly conserved and there is a large physicochemical difference between phenylalanine and serine. This variant is not present in population databases (ExAC no frequency). This variant has not been reported in the literature in individuals affected with DMD-related conditions. Algorithms developed to predict the effect of missense changes on protein structure and function are either unavailable or do not agree on the potential impact of this missense change (SIFT: "Tolerated"; PolyPhen-2: "Possibly Damaging"; Align-GVGD: "Class C15"). In summary, the available evidence is currently insufficient to determine the role of this variant in disease. Therefore, it has been classified as a Variant of Uncertain Significance.

NM_004006.3(DMD):c.2240T>C (p.Phe747Ser)

Gene: DMD (dystrophin; minus strand). Cytogenetic location: Xp21.1.
Variant type: single nucleotide variant.
Coding change: c.2240T>C on transcript NM_004006.3 (MANE Select); coding-DNA position 2240, T replaced by C.
Protein change: p.Phe747Ser; replaces phenylalanine 747 with serine.
Molecular consequence: missense variant.
Genome position (GRCh38, 1-based): chrX:32,518,060, A>G on the plus strand (T>C on the coding strand, the complement: DMD is on the minus strand). VCF-style: chrX-32518060-A-G. GRCh37 (hg19) VCF-style: chrX-32536177-A-G.
Other names: c.2216T>C, p.Phe739Ser (NM_000109.4); c.2228T>C, p.Phe743Ser (NM_004009.3); c.1871T>C, p.Phe624Ser (NM_004010.3); short protein forms F743S, F624S, F739S, F747S.
Identifiers: ClinVar variation 1985996 (VCV001985996.1), dbSNP rs1013062417, ClinGen allele CA328009411.
Genomic context (GRCh38, chrX:32,518,060, plus strand): 5'-TAACCTACATTGACTTTTTCTTTTAAGTCTGAGAAGTTGCCTTCCTTCCGAAAGATTGCA[A>G]ATTCAGGACTCTGCAACACAGCTTCTGAGCGAGTAATCCAGCTGTGAAGTTCAGTTATAT-3'
Protein context (NP_003997.2, residues 737-757): RSEAVLQSPE[Phe747Ser]AIFRKEGNFS